The following is an entry in ClinVar:

NM_000465.4(BARD1):c.595T>C (p.Ser199Pro)

Gene: BARD1 (BRCA1 associated RING domain 1; minus strand). Cytogenetic location: 2q35.
Variant type: single nucleotide variant.
Coding change: c.595T>C on transcript NM_000465.4 (MANE Select); coding-DNA position 595, T replaced by C.
Protein change: p.Ser199Pro; replaces serine 199 with proline.
Molecular consequence: missense variant. On other transcripts: non-coding transcript variant (2), intron variant (3).
Genome position (GRCh38, 1-based): chr2:214,781,279, A>G on the plus strand (T>C on the coding strand, the complement: BARD1 is on the minus strand). VCF-style: chr2-214781279-A-G. GRCh37 (hg19) VCF-style: chr2-215646003-A-G.
Other names: c.538T>C, p.Ser180Pro (NM_001282543.2); c.158+28133T>C (NM_001282548.2); c.215+15782T>C (NM_001282545.2); c.364+11018T>C (NM_001282549.2); short protein forms S199P, S180P.
Identifiers: ClinVar variation 530152 (VCV000530152.9), dbSNP rs1553622597, ClinGen allele CA350456779.

ClinVar aggregate classification (germline): Uncertain significance (1 of 4 stars; one submission).

Conditions:
Familial cancer of breast. Also called: BREAST CANCER, FAMILIAL; Hereditary breast cancer; hereditary breast carcinoma. Identifiers: Orphanet 227535, MedGen C0346153, MONDO:0016419, OMIM 114480. Disease mechanism: loss of function.

Submission:

Labcorp Genetics (formerly Invitae), Labcorp
Classification: Uncertain significance for Familial cancer of breast. Last evaluated: 2017-08-16. Review status: criteria provided, single submitter. Criteria: Invitae Variant Classification Sherloc (09022015). Collection method: clinical testing. Allele origin: germline.
Comment: This variant has not been reported in the literature in individuals with BARD1-related disease. In summary, the available evidence is currently insufficient to determine the role of this variant in disease. Therefore, it has been classified as a Variant of Uncertain Significance. Algorithms developed to predict the effect of missense changes on protein structure and function output the following: SIFT: "Tolerated"; PolyPhen-2: "Benign"; Align-GVGD: "Class C0". The proline amino acid residue is found in multiple mammalian species, suggesting that this missense change does not adversely affect protein function. These predictions have not been confirmed by published functional studies and their clinical significance is uncertain. This variant is not present in population databases (ExAC no frequency). This sequence change replaces serine with proline at codon 199 of the BARD1 protein (p.Ser199Pro). The serine residue is moderately conserved and there is a moderate physicochemical difference between serine and proline.